The following is an entry in ClinVar:

NM_005591.4(MRE11):c.604A>G (p.Arg202Gly)

Gene: MRE11 (MRE11 double strand break repair nuclease; minus strand). Cytogenetic location: 11q21.
Variant type: single nucleotide variant.
Coding change: c.604A>G on transcript NM_005591.4 (MANE Select); coding-DNA position 604, A replaced by G.
Protein change: p.Arg202Gly; replaces arginine 202 with glycine.
Molecular consequence: missense variant.
Genome position (GRCh38, 1-based): chr11:94,476,344, T>C on the plus strand (A>G on the coding strand, the complement: MRE11 is on the minus strand). VCF-style: chr11-94476344-T-C. GRCh37 (hg19) VCF-style: chr11-94209510-T-C.
Other names: p.R202G:AGA>GGA; c.604A>G, p.Arg202Gly (NM_001330347.2, NM_005590.4); short protein forms R202G.
Identifiers: ClinVar variation 127985 (VCV000127985.3), dbSNP rs587780143, ClinGen allele CA288181.
Genomic context (GRCh38, chr11:94,476,344, plus strand): 5'-TTTACCTGTTCTGATGAATCACAAATAAGTTAAACCAAGAGTTCTCATCTTCCTTTGGTC[T>C]CAACATTGTTACTTTTTTATTGACAAACATTCGATAGAGCCTTTCATCTGGAATGGATCC-3'
Protein context (NP_005582.1, residues 192-212): MFVNKKVTML[Arg202Gly]PKEDENSWFN

ClinVar aggregate classification (germline): Uncertain significance. Review status: criteria provided, multiple submitters, no conflicts (2 of 4 stars). 2 submissions from 2 submitters: Uncertain significance (2). Last evaluated 2024-06-27.

Allele frequency attached by ClinVar (database versions not stated): ExAC 0.00003; gnomAD 0.00003 and 0.00004; gnomAD exomes 0.00004 and 0.00005.

Submissions (2):

Blueprint Genetics
Classification: Uncertain significance. Last evaluated: 2024-06-27. Review status: criteria provided, single submitter. Criteria: ACMG Guidelines, 2015. Collection method: clinical testing. Allele origin: germline.

GeneDx
Classification: Uncertain significance. Last evaluated: 2014-01-21. Review status: criteria provided, single submitter. Criteria: GeneDx Variant Classification (06012015). Collection method: clinical testing. Allele origin: germline. Affected: yes.
Comment: MRE11A has been only recently described in association with cancer predisposition and the risks are not well understood. This variant is denoted MRE11A c.604A>G at the cDNA level, p.Arg202Gly (R202G) at the protein level, and results in the change of an Arginine to a Glycine (AGA>GGA). This variant was observed in a breast cancer patient who was also heterozygous for CHEK1100delC and in 1/363 healthy female controls (Bartkova 2008). Protein studies of MRE11 Arg202Gly by Park et al. (2011) were inconclusive, yet they noted that the variant could contribute to local stability around the Nbs1-binding region. MRE11A Arg202Gly was not observed in approximately 6,500 individuals of European and African American ancestry in the NHLBI Exome Sequencing Project, indicating it is not a common benign variant in these populations. This variant is a non-conservative substitution in which a positive polar amino acid is replaced with a neutral non-polar one, altering a position that is well conserved throughout evolution and is located within the phosphoesterase domain (Bartkova 2008). Multiple in silico algorithms predict that this variant may be damaging to protein structure and function. On a molecular level, the impact of this missense variant on protein structure and function is not known and thus we consider this to be a variant of uncertain significance. Furthermore, based on the currently available information, cancer risks associated with this variant, and the MRE11A gene, remain unclear.